The following is an entry in ClinVar:

ClinVar aggregate classification (germline): Pathogenic/Likely pathogenic. Review status: criteria provided, multiple submitters, no conflicts (2 of 4 stars). 4 submissions from 4 submitters: Pathogenic (2); Likely pathogenic (2). Last evaluated 2024-12-22.

Conditions:
Cardiovascular phenotype. Identifiers: MedGen CN230736.
Dilated cardiomyopathy 1G (CMD1G). Identifiers: Orphanet 154, MedGen C1858763, MONDO:0011400, OMIM 604145.
Autosomal recessive limb-girdle muscular dystrophy type 2J (LGMDR10). Also called: MUSCULAR DYSTROPHY, LIMB-GIRDLE, AUTOSOMAL RECESSIVE 10; Limb-girdle muscular dystrophy, type 2J. Identifiers: Orphanet 140922, MedGen C1837342, MONDO:0012127, OMIM 608807.
Myopathy, myofibrillar, 9, with early respiratory failure (MFM9). Also called: Myopathy, distal, with early respiratory failure, autosomal dominant; MYOPATHY, PROXIMAL, WITH EARLY RESPIRATORY MUSCLE INVOLVEMENT; EDSTROM MYOPATHY; Hereditary myopathy with early respiratory failure. Identifiers: Orphanet 178464, Orphanet 34521, MedGen C1863599, MONDO:0011362, OMIM 603689.

Submissions (4):

Labcorp Genetics (formerly Invitae), Labcorp
Classification: Pathogenic for Dilated cardiomyopathy 1G; Autosomal recessive limb-girdle muscular dystrophy type 2J. Last evaluated: 2024-12-22. Review status: criteria provided, single submitter. Criteria: Invitae Variant Classification Sherloc (09022015). Collection method: clinical testing. Allele origin: germline.
Comment: This sequence change creates a premature translational stop signal (p.Tyr21337*) in the TTN gene. While this is not anticipated to result in nonsense mediated decay, it is expected to create a truncated TTN protein. This variant is not present in population databases (gnomAD no frequency). This premature translational stop signal has been observed in individuals with clinical features of TTN-related conditions (PMID: 31737537; internal data). ClinVar contains an entry for this variant (Variation ID: 446427). This variant is located in the A band of TTN (PMID: 25589632). Truncating variants in this region are significantly overrepresented in patients affected with dilated cardiomyopathy (PMID: 25589632). Truncating variants in this region have also been reported in individuals affected with autosomal recessive centronuclear myopathy (PMID: 23975875). For these reasons, this variant has been classified as Pathogenic.

Institute of Immunology and Genetics Kaiserslautern
Classification: Pathogenic for Myopathy, myofibrillar, 9, with early respiratory failure. Last evaluated: 2022-08-02. Review status: criteria provided, single submitter. Criteria: ACMG Guidelines, 2015. Collection method: clinical testing. Allele origin: germline. Affected: yes.
Comment: ACMG Criteria: PVS1, PM2, PP5; Variant was found in heterozygous state.

Ambry Genetics
Classification: Likely pathogenic for Cardiovascular phenotype. Last evaluated: 2021-12-09. Review status: criteria provided, single submitter. Criteria: Ambry Variant Classification Scheme 2023. Collection method: clinical testing. Allele origin: germline.
Comment: The p.Y12272* variant (also known as c.36816C>A), located in coding exon 134 of the TTN gene, results from a C to A substitution at nucleotide position 36816. This changes the amino acid from a tyrosine to a stop codon within coding exon 134. This exon is located in the A-band region of the N2-B isoform of the titin protein and is constitutively expressed in TTN transcripts (percent spliced in or PSI 100%). This variant was reported in an individual with suspected dilated cardiomyopathy (DCM); however, clinical details were not provided (Marschall C et al. Cardiovasc Diagn Ther, 2019 Oct;9:S292-S298). This variant is considered to be rare based on population cohorts in the Genome Aggregation Database (gnomAD). This alteration is expected to result in loss of function by premature protein truncation or nonsense-mediated mRNA decay. While truncating variants in TTN are present in 1-3% of the general population, truncating variants in the A-band are the most common cause of dilated cardiomyopathy (DCM) (Herman DS et al. N. Engl. J. Med., 2012 Feb;366:619-28; Roberts AM et al. Sci Transl Med, 2015 Jan;7:270ra6). TTN truncating variants encoded in constitutive exons (PSI >90%) have been found to be significantly associated with DCM regardless of their position in titin (Schafer S et al. Nat. Genet., 2017 01;49:46-53). As such, this alteration is classified as likely pathogenic.

MVZ Martinsried, Medicover Genetics
Classification: Likely pathogenic for Dilated cardiomyopathy 1G. Last evaluated: 2017-08-09. Review status: criteria provided, single submitter. Criteria: ACMG Guidelines, 2015. Collection method: clinical testing. Allele origin: unknown. Affected: yes.

Literature cited by the submitters: PubMed 31737537 (cited by Labcorp Genetics (formerly Invitae), Labcorp and Ambry Genetics); PubMed 25589632 (cited by Labcorp Genetics (formerly Invitae), Labcorp); PubMed 23975875 (cited by Labcorp Genetics (formerly Invitae), Labcorp).

NM_001267550.2(TTN):c.64011C>A (p.Tyr21337Ter)

Genes: TTN (titin; minus strand), TTN-AS1 (TTN antisense RNA 1; plus strand). Cytogenetic location: 2q31.2.
Variant type: single nucleotide variant.
Coding change: c.64011C>A on transcript NM_001267550.2 (MANE Select); coding-DNA position 64011, C replaced by A.
Protein change: p.Tyr21337Ter; replaces tyrosine 21337 with a stop codon.
Molecular consequence: nonsense.
Genome position (GRCh38, 1-based): chr2:178,587,200, G>T on the plus strand (C>A on the coding strand, the complement: TTN is on the minus strand). VCF-style: chr2-178587200-G-T. GRCh37 (hg19) VCF-style: chr2-179451927-G-T.
Other names: c.59088C>A, p.Tyr19696Ter (NM_001256850.1); c.36816C>A, p.Tyr12272Ter (NM_003319.4); c.56307C>A, p.Tyr18769Ter (NM_133378.4); c.37191C>A, p.Tyr12397Ter (NM_133432.3); c.37392C>A, p.Tyr12464Ter (NM_133437.4); short protein forms Y21337*, Y12397*, Y12272*, Y19696*, Y18769*, Y12464*.
Identifiers: ClinVar variation 446427 (VCV000446427.12), dbSNP rs1553636324, ClinGen allele CA349446699.